The following is an entry in ClinVar:

ClinVar aggregate classification (germline): Uncertain significance (1 of 4 stars; one submission).

Submission:

GeneDx
Classification: Uncertain significance. Last evaluated: 2023-12-20. Review status: criteria provided, single submitter. Criteria: GeneDx Variant Classification Process June 2021. Collection method: clinical testing. Allele origin: germline. Affected: yes.
Comment: Not observed at significant frequency in large population cohorts (gnomAD); In silico analysis supports that this missense variant has a deleterious effect on protein structure/function; Has not been previously published as pathogenic or benign to our knowledge

NM_001378120.1(MBD5):c.70G>C (p.Gly24Arg)

Gene: MBD5 (methyl-CpG binding domain protein 5; plus strand). Cytogenetic location: 2q23.1.
Variant type: single nucleotide variant.
Coding change: c.70G>C on transcript NM_001378120.1 (MANE Select); coding-DNA position 70, G replaced by C.
Protein change: p.Gly24Arg; replaces glycine 24 with arginine.
Molecular consequence: missense variant.
Genome position (GRCh38, 1-based): chr2:148,458,828, G>C. VCF-style: chr2-148458828-G-C. GRCh37 (hg19) VCF-style: chr2-149216397-G-C.
Other names: c.70G>C, p.Gly24Arg (NM_018328.5); short protein forms G24R.
Identifiers: ClinVar variation 3369986 (VCV003369986.1).